The following is an entry in ClinVar:

ClinVar aggregate classification (germline): Pathogenic. Review status: reviewed by expert panel (3 of 4 stars). 2 submissions from 2 submitters: Pathogenic (1). 1 of the submissions does not count toward it. Last evaluated 2016-10-18.

Conditions:
Breast-ovarian cancer, familial, susceptibility to, 1 (BROVCA1). Also called: BRCA1 Hereditary Breast and Ovarian Cancer; OVARIAN CANCER, SUSCEPTIBILITY TO. Identifiers: Orphanet 145, MedGen C2676676, MONDO:0011450, OMIM 604370. Disease mechanism: loss of function.

Submissions (2):

Evidence-based Network for the Interpretation of Germline Mutant Alleles (ENIGMA)
Classification: Pathogenic for Breast-ovarian cancer, familial, susceptibility to, 1. Last evaluated: 2016-10-18. Review status: reviewed by expert panel. Criteria: ENIGMA BRCA1/2 Classification Criteria (2015). Collection method: curation. Allele origin: germline.
Comment: Variant allele predicted to encode a truncated non-functional protein.

Consortium of Investigators of Modifiers of BRCA1/2 (CIMBA), c/o University of Cambridge
Classification: Pathogenic for Breast-ovarian cancer, familial, susceptibility to, 1. Last evaluated: 2015-10-02. Review status: criteria provided, single submitter. Criteria: CIMBA Mutation Classification guidelines May 2016. Collection method: clinical testing. Allele origin: germline. Not counted in ClinVar's aggregate classification.

NM_007294.4(BRCA1):c.2750del (p.Ile917fs)

Gene: BRCA1 (BRCA1 DNA repair associated; minus strand). Cytogenetic location: 17q21.31.
Variant type: Deletion.
Coding change: c.2750del on transcript NM_007294.4 (MANE Select); coding-DNA position 2750, one base deleted (T; older notation c.2750delT).
Protein change: p.Ile917fs; shifts the reading frame from isoleucine 917.
Molecular consequence: frameshift variant. On other transcripts: intron variant (137).
Genome position (GRCh38, 1-based): chr17:43,092,781, A deleted on the plus strand (T on the coding strand, the reverse complement: BRCA1 is on the minus strand). VCF-style (leftmost placement, unchanged base first): chr17-43092780-GA-G. GRCh37 (hg19) VCF-style: chr17-41244797-GA-G.
Other names: 2869delT; c.2750del, p.Ile917fs (NM_001407596.1, NM_001407597.1, NM_001407598.1 and 30 more transcripts); c.2747del, p.Ile916fs (NM_001407610.1, NM_001407611.1, NM_001407612.1 and 22 more transcripts); c.2741del, p.Ile914fs (NM_001407646.1, NM_001407647.1); c.2627del, p.Ile876fs (NM_001407648.1, NM_001407664.1, NM_001407665.1 and 19 more transcripts); c.2624del, p.Ile875fs (NM_001407649.1, NM_001407670.1, NM_001407671.1 and 11 more transcripts); c.2672del, p.Ile891fs (NM_001407653.1, NM_001407654.1, NM_001407655.1 and 4 more transcripts); c.2669del, p.Ile890fs (NM_001407659.1, NM_001407660.1, NM_001407661.1 and 1 more transcripts); and 43 more; short protein forms I870fs, I917fs, I789fs, I790fs, I805fs, I846fs, I849fs, I890fs.
Identifiers: ClinVar variation 266298 (VCV000266298.6), dbSNP rs886040067, ClinGen allele CA10589818.